The following is an entry in ClinVar:

NM_002528.7(NTHL1):c.598G>A (p.Val200Met)

Gene: NTHL1 (nth like DNA glycosylase 1; minus strand). Cytogenetic location: 16p13.3.
Variant type: single nucleotide variant.
Coding change: c.598G>A on transcript NM_002528.7 (MANE Select); coding-DNA position 598, G replaced by A.
Protein change: p.Val200Met; replaces valine 200 with methionine.
Molecular consequence: missense variant.
Genome position (GRCh38, 1-based): chr16:2,043,654, C>T on the plus strand (G>A on the coding strand, the complement: NTHL1 is on the minus strand). VCF-style: chr16-2043654-C-T. GRCh37 (hg19) VCF-style: chr16-2093655-C-T.
Other names: c.427G>A, p.Val143Met (NM_001318193.2); c.268G>A, p.Val90Met (NM_001318194.2); short protein forms V90M, V143M, V200M.
Identifiers: ClinVar variation 4662389 (VCV004662389.1).

ClinVar aggregate classification (germline): Uncertain significance (1 of 4 stars; one submission).

Conditions:
Hereditary cancer-predisposing syndrome. Also called: Neoplastic Syndromes, Hereditary; Tumor predisposition; Hereditary Cancer Syndrome; Hereditary neoplastic syndrome. Identifiers: Orphanet 140162, MedGen C0027672, MeSH D009386, MONDO:0015356.

Submission:

Ambry Genetics
Classification: Uncertain significance for Hereditary cancer-predisposing syndrome. Last evaluated: 2025-11-26. Review status: criteria provided, single submitter. Criteria: Ambry Variant Classification Scheme 2023. Collection method: clinical testing. Allele origin: germline.
Comment: The p.V208M variant (also known as c.622G>A), located in coding exon 4 of the NTHL1 gene, results from a G to A substitution at nucleotide position 622. The valine at codon 208 is replaced by methionine, an amino acid with highly similar properties. This amino acid position is conserved. In addition, this alteration is predicted to be tolerated by in silico analysis. Based on the available evidence, the clinical significance of this variant remains unclear.